The following is an entry in ClinVar:

ClinVar aggregate classification (germline): Uncertain significance (1 of 4 stars; one submission).

Allele frequency attached by ClinVar (database versions not stated): TOPMed below 0.00001; ExAC 0.00001; gnomAD 0.00001.
gnomAD v4.1: 5 of 1,613,824 alleles (0.00031%); highest among the groups gnomAD compares: Admixed American, 0.0017%; no homozygotes.

Submission:

Labcorp Genetics (formerly Invitae), Labcorp
Classification: Uncertain significance. Last evaluated: 2022-07-14. Review status: criteria provided, single submitter. Criteria: Invitae Variant Classification Sherloc (09022015). Collection method: clinical testing. Allele origin: germline.
Comment: This sequence change replaces arginine, which is basic and polar, with cysteine, which is neutral and slightly polar, at codon 108 of the EFL1 protein (p.Arg108Cys). This variant is present in population databases (rs772344093, gnomAD 0.003%). This variant has not been reported in the literature in individuals affected with EFL1-related conditions. Algorithms developed to predict the effect of missense changes on protein structure and function are either unavailable or do not agree on the potential impact of this missense change (SIFT: "Deleterious"; PolyPhen-2: "Probably Damaging"; Align-GVGD: "Class C0"). In summary, the available evidence is currently insufficient to determine the role of this variant in disease. Therefore, it has been classified as a Variant of Uncertain Significance.

NM_024580.6(EFL1):c.322C>T (p.Arg108Cys)

Gene: EFL1 (elongation factor like GTPase 1; minus strand). Cytogenetic location: 15q25.2.
Variant type: single nucleotide variant.
Coding change: c.322C>T on transcript NM_024580.6 (MANE Select); coding-DNA position 322, C replaced by T.
Protein change: p.Arg108Cys; replaces arginine 108 with cysteine.
Molecular consequence: missense variant. On other transcripts: 5 prime UTR variant (1), non-coding transcript variant (1).
Genome position (GRCh38, 1-based): chr15:82,241,326, G>A on the plus strand (C>T on the coding strand, the complement: EFL1 is on the minus strand). VCF-style: chr15-82241326-G-A. GRCh37 (hg19) VCF-style: chr15-82533667-G-A.
Other names: c.169C>T, p.Arg57Cys (NM_001040610.3); c.-468C>T (NM_001322844.2); c.322C>T, p.Arg108Cys (NM_001322845.2); short protein forms R108C, R57C.
Identifiers: ClinVar variation 2190740 (VCV002190740.1), dbSNP rs772344093, ClinGen allele CA7698308.
Genomic context (GRCh38, chr15:82,241,326, plus strand): 5'-TTACCTGTGGACAGACTCCTTCCACAGCATCTACCACAATGATGCATCCATCACAAATGC[G>A]AACAGCGGTTGATACTTCTGAGGAAAAGTCCACGTGTCCTGGAGAGTCTATCAGATTGAT-3'
Protein context (NP_078856.4, residues 98-118): DFSSEVSTAV[Arg108Cys]ICDGCIIVVD